The following is an entry in ClinVar:

ClinVar aggregate classification (germline): Uncertain significance (1 of 4 stars; one submission).

Submission:

Labcorp Genetics (formerly Invitae), Labcorp
Classification: Uncertain significance. Last evaluated: 2022-01-19. Review status: criteria provided, single submitter. Criteria: Invitae Variant Classification Sherloc (09022015). Collection method: clinical testing. Allele origin: germline.
Comment: In summary, the available evidence is currently insufficient to determine the role of this variant in disease. Therefore, it has been classified as a Variant of Uncertain Significance. Algorithms developed to predict the effect of missense changes on protein structure and function (SIFT, PolyPhen-2, Align-GVGD) all suggest that this variant is likely to be tolerated. This variant has not been reported in the literature in individuals affected with ADAMTS10-related conditions. This variant is not present in population databases (gnomAD no frequency). This sequence change replaces alanine, which is neutral and non-polar, with valine, which is neutral and non-polar, at codon 217 of the ADAMTS10 protein (p.Ala217Val).

NM_030957.4(ADAMTS10):c.650C>T (p.Ala217Val)

Gene: ADAMTS10 (ADAM metallopeptidase with thrombospondin type 1 motif 10; minus strand). Cytogenetic location: 19p13.2.
Variant type: single nucleotide variant.
Coding change: c.650C>T on transcript NM_030957.4 (MANE Select); coding-DNA position 650, C replaced by T.
Protein change: p.Ala217Val; replaces alanine 217 with valine.
Molecular consequence: missense variant.
Genome position (GRCh38, 1-based): chr19:8,601,088, G>A on the plus strand (C>T on the coding strand, the complement: ADAMTS10 is on the minus strand). VCF-style: chr19-8601088-G-A. GRCh37 (hg19) VCF-style: chr19-8665972-G-A.
Other names: short protein forms A217V.
Identifiers: ClinVar variation 2088167 (VCV002088167.4), dbSNP rs2512640013, ClinGen allele CA403756764.